The following is an entry in ClinVar:

NM_001267550.2(TTN):c.25117_25118del (p.Leu8373fs)

Gene: TTN (titin; minus strand). Cytogenetic location: 2q31.2.
Variant type: Microsatellite.
Coding change: c.25117_25118del on transcript NM_001267550.2 (MANE Select); coding-DNA positions 25117 to 25118, 2 bases deleted (CT; older notation c.25117_25118delCT).
Protein change: p.Leu8373fs; shifts the reading frame from leucine 8373.
Molecular consequence: frameshift variant. On other transcripts: intron variant (3).
Genome position (GRCh38, 1-based): chr2:178,717,756-178,717,757, AG deleted on the plus strand (CT on the coding strand, the reverse complement: TTN is on the minus strand); deleting any 2 consecutive bases within chr2:178,717,756-178,717,759 gives the same sequence; the c. name uses the placement nearest the transcript's 3' end. VCF-style (leftmost placement, unchanged base first): chr2-178717755-TAG-T. GRCh37 (hg19) VCF-style: chr2-179582482-TAG-T.
Other names: c.24166_24167del, p.Leu8056fs (NM_001256850.1); c.21385_21386del, p.Leu7129fs (NM_133378.4); c.13282+20325_13282+20326del (NM_003319.4); c.13858+20325_13858+20326del (NM_133437.4); c.13657+20325_13657+20326del (NM_133432.3); short protein forms L8373fs, L8056fs, L7129fs.
Identifiers: ClinVar variation 843478 (VCV000843478.10), dbSNP rs2077711392, ClinGen allele CA916081373.

ClinVar aggregate classification (germline): Likely pathogenic (1 of 4 stars; one submission).

Conditions:
Autosomal recessive limb-girdle muscular dystrophy type 2J (LGMDR10). Also called: Limb-girdle muscular dystrophy, type 2J; MUSCULAR DYSTROPHY, LIMB-GIRDLE, AUTOSOMAL RECESSIVE 10. Identifiers: Orphanet 140922, MedGen C1837342, MONDO:0012127, OMIM 608807.
Dilated cardiomyopathy 1G (CMD1G). Identifiers: Orphanet 154, MedGen C1858763, MONDO:0011400, OMIM 604145.

Submission:

Labcorp Genetics (formerly Invitae), Labcorp
Classification: Likely pathogenic for Dilated cardiomyopathy 1G; Autosomal recessive limb-girdle muscular dystrophy type 2J. Last evaluated: 2025-02-05. Review status: criteria provided, single submitter. Criteria: Invitae Variant Classification Sherloc (09022015). Collection method: clinical testing. Allele origin: germline.
Comment: This sequence change creates a premature translational stop signal (p.Leu8373Argfs*7) in the TTN gene. While this is not anticipated to result in nonsense mediated decay, it is expected to create a truncated TTN protein. This variant is not present in population databases (gnomAD no frequency). This premature translational stop signal has been observed in individual(s) with clinical features of autosomal recessive TTN-related conditions (internal data). ClinVar contains an entry for this variant (Variation ID: 843478). This variant is located in the I band of TTN (PMID: 25589632). Truncating variants in this region have been reported in individuals affected with autosomal recessive centronuclear myopathy (PMID: 23975875, internal data). Truncating variants in this region have also been identified in individuals affected with autosomal dominant dilated cardiomyopathy and/or cardio-related conditions (PMID: 27869827, 32964742, internal data). In summary, the currently available evidence indicates that the variant is pathogenic, but additional data are needed to prove that conclusively. Therefore, this variant has been classified as Likely Pathogenic.

Literature cited by the submitters: PubMed 25589632; PubMed 23975875; PubMed 27869827; PubMed 32964742.